The following is an entry in ClinVar:

NM_000143.4(FH):c.1203A>G (p.Gly401=)

Gene: FH (fumarate hydratase; minus strand). Cytogenetic location: 1q43.
Variant type: single nucleotide variant.
Coding change: c.1203A>G on transcript NM_000143.4 (MANE Select); coding-DNA position 1203, A replaced by G.
Protein change: p.Gly401=; no amino-acid change (glycine 401 retained).
Molecular consequence: synonymous variant.
Genome position (GRCh38, 1-based): chr1:241,502,476, T>C on the plus strand (A>G on the coding strand, the complement: FH is on the minus strand). VCF-style: chr1-241502476-T-C. GRCh37 (hg19) VCF-style: chr1-241665776-T-C.
Identifiers: ClinVar variation 1748048 (VCV001748048.4), dbSNP rs2527316555, ClinGen allele CA424075662.

ClinVar aggregate classification (germline): Benign/Likely benign. Review status: criteria provided, multiple submitters, no conflicts (2 of 4 stars). 3 submissions from 3 submitters: Benign (1); Likely benign (2). Last evaluated 2025-03-24.

Conditions:
Hereditary leiomyomatosis and renal cell cancer. Also called: MULTIPLE CUTANEOUS AND UTERINE LEIOMYOMATA 1, WITH OR WITHOUT RENAL CELL CARCINOMA; LEIOMYOMA, MULTIPLE CUTANEOUS; Reed syndrome; Multiple cutaneous and uterine leiomyomatosis; Cutaneous leiomyomata with uterine leiomyomata; Leiomyoma, hereditary multiple, of skin. Identifiers: Orphanet 523, MedGen C1708350, MONDO:0007888, OMIM 150800, HP:0007437. Disease mechanism: loss of function.
Hereditary cancer-predisposing syndrome. Also called: Neoplastic Syndromes, Hereditary; Tumor predisposition; Hereditary Cancer Syndrome; Hereditary neoplastic syndrome. Identifiers: Orphanet 140162, MedGen C0027672, MeSH D009386, MONDO:0015356.

Submissions (3):

Labcorp Genetics (formerly Invitae), Labcorp
Classification: Likely benign. Last evaluated: 2025-03-24. Review status: criteria provided, single submitter. Criteria: Invitae Variant Classification Sherloc (09022015). Collection method: clinical testing. Allele origin: germline.

Myriad Genetics, Inc.
Classification: Benign for Hereditary leiomyomatosis and renal cell cancer. Last evaluated: 2024-10-21. Review status: criteria provided, single submitter. Criteria: Myriad Autosomal Dominant, Autosomal Recessive and X-Linked Classification Criteria (2023). Collection method: clinical testing. Allele origin: unknown.
Comment: This variant is considered benign. This variant is a silent/synonymous amino acid change and it is not expected to impact splicing.

Ambry Genetics
Classification: Likely benign for Hereditary cancer-predisposing syndrome. Last evaluated: 2020-02-14. Review status: criteria provided, single submitter. Criteria: Ambry Variant Classification Scheme 2023. Collection method: clinical testing. Allele origin: germline.